The following is an entry in ClinVar:

ClinVar aggregate classification (germline): Uncertain significance (1 of 4 stars; one submission).

Submission:

GeneDx
Classification: Uncertain significance. Last evaluated: 2021-01-26. Review status: criteria provided, single submitter. Criteria: GeneDx Variant Classification Process June 2021. Collection method: clinical testing. Allele origin: germline. Affected: yes.
Comment: Not observed in large population cohorts (Lek et al., 2016); In-frame insertion of 1 amino acids in a non-repeat region; Has not been previously published as pathogenic or benign to our knowledge

NM_152783.5(D2HGDH):c.534_536dup (p.Arg179dup)

Gene: D2HGDH (D-2-hydroxyglutarate dehydrogenase; plus strand). Cytogenetic location: 2q37.3.
Variant type: Duplication.
Coding change: c.534_536dup on transcript NM_152783.5 (MANE Select); coding-DNA positions 534 to 536, 3 bases duplicated (CCG; older notation c.534_536dupCCG).
Protein change: p.Arg179dup; duplicates arginine 179.
Molecular consequence: inframe insertion. On other transcripts: 5 prime UTR variant (1), non-coding transcript variant (1).
Genome position (GRCh38, 1-based): chr2:241,743,665-241,743,667, CCG duplicated; duplicating any 3 consecutive bases within chr2:241,743,664-241,743,667 gives the same sequence; the c. name uses the placement nearest the transcript's 3' end. VCF-style (leftmost placement, unchanged base first): chr2-241743663-A-AGCC. GRCh37 (hg19) VCF-style: chr2-242683078-A-AGCC.
Other names: c.132_134dup, p.Arg45dup (NM_001287249.2); c.-28_-26dup (NM_001352824.2).
Identifiers: ClinVar variation 1314083 (VCV001314083.2), dbSNP rs2125080206, ClinGen allele CA2573051908.